The following is an entry in ClinVar:

NM_005026.5(PIK3CD):c.307G>A (p.Ala103Thr)

Gene: PIK3CD (phosphatidylinositol-4,5-bisphosphate 3-kinase catalytic subunit delta; plus strand). Cytogenetic location: 1p36.22.
Variant type: single nucleotide variant.
Coding change: c.307G>A on transcript NM_005026.5 (MANE Select); coding-DNA position 307, G replaced by A.
Protein change: p.Ala103Thr; replaces alanine 103 with threonine.
Molecular consequence: missense variant.
Genome position (GRCh38, 1-based): chr1:9,715,706, G>A. VCF-style: chr1-9715706-G-A. GRCh37 (hg19) VCF-style: chr1-9775764-G-A.
Other names: c.307G>A, p.Ala103Thr (NM_001350234.2, NM_001350235.1); short protein forms A103T.
Identifiers: ClinVar variation 2630878 (VCV002630878.4), dbSNP rs1229729609, ClinGen allele CA338300308.
Genomic context (GRCh38, chr1:9,715,706, plus strand): 5'-GAGGACGAGCAACGGCGTCTGTGTGACGTGCAGCCCTTCCTGCCCGTCCTGCGCCTGGTG[G>A]CCCGTGAGGGCGACCGCGTGAAGAAGCTCATCAACTCACAGATCAGCCTCCTCATCGGCA-3'
Protein context (NP_005017.3, residues 93-113): QPFLPVLRLV[Ala103Thr]REGDRVKKLI

ClinVar aggregate classification (germline): Uncertain significance. Review status: criteria provided, multiple submitters, no conflicts (2 of 4 stars). 2 submissions from 2 submitters: Uncertain significance (2). Last evaluated 2024-01-11.

Conditions:
Immunodeficiency 14 (IMD14A). Also called: ACTIVATED PI3K-DELTA SYNDROME 1; Activated PI3K Delta Syndrome Type 1 (APDS1); p110-DELTA-ACTIVATING MUTATION CAUSING SENESCENT T CELLS, LYMPHADENOPATHY, AND IMMUNODEFICIENCY; IMMUNODEFICIENCY 14A WITH LYMPHOPROLIFERATION, AUTOSOMAL DOMINANT. Identifiers: Orphanet 397596, Orphanet 693661, MedGen C5907821, MONDO:0014222, OMIM 615513.
PIK3CD-related disorder. Also called: PIK3CD-related condition.

Allele frequency attached by ClinVar (database versions not stated): gnomAD exomes below 0.00001.
gnomAD v4.1: 2 of 1,613,592 alleles (0.00012%); highest among the groups gnomAD compares: South Asian, 0.0022%; no homozygotes.

Submissions (2):

Labcorp Genetics (formerly Invitae), Labcorp
Classification: Uncertain significance for Activated PI3K-delta syndrome. Last evaluated: 2024-01-11. Review status: criteria provided, single submitter. Criteria: Invitae Variant Classification Sherloc (09022015). Collection method: clinical testing. Allele origin: germline.
Comment: This sequence change replaces alanine, which is neutral and non-polar, with threonine, which is neutral and polar, at codon 103 of the PIK3CD protein (p.Ala103Thr). This variant is present in population databases (no rsID available, gnomAD 0.006%). This variant has not been reported in the literature in individuals affected with PIK3CD-related conditions. ClinVar contains an entry for this variant (Variation ID: 2630878). Advanced modeling of protein sequence and biophysical properties (such as structural, functional, and spatial information, amino acid conservation, physicochemical variation, residue mobility, and thermodynamic stability) performed at Invitae indicates that this missense variant is not expected to disrupt PIK3CD protein function with a negative predictive value of 80%. In summary, the available evidence is currently insufficient to determine the role of this variant in disease. Therefore, it has been classified as a Variant of Uncertain Significance.

PreventionGenetics, part of Exact Sciences
Classification: Uncertain significance for PIK3CD-related condition. Last evaluated: 2023-09-19. Review status: criteria provided, single submitter. Criteria: ACMG Guidelines, 2015. Collection method: clinical testing. Allele origin: germline.
Comment: The PIK3CD c.307G>A variant is predicted to result in the amino acid substitution p.Ala103Thr. To our knowledge, this variant has not been reported in the literature. This variant is reported in 0.0065% of alleles in individuals of South Asian descent in gnomAD. At this time, the clinical significance of this variant is uncertain due to the absence of conclusive functional and genetic evidence.